The following is an entry in ClinVar:

ClinVar aggregate classification (germline): Uncertain significance. Review status: criteria provided, multiple submitters, no conflicts (2 of 4 stars). 3 submissions from 3 submitters: Uncertain significance (2). 1 of the submissions does not count toward it. Last evaluated 2024-04-24.

Conditions:
SDCCAG8-related disorder. Also called: SDCCAG8-Related Disorders; SDCCAG8-related condition.
Bardet-Biedl syndrome 16 (BBS16). Identifiers: Orphanet 110, MedGen C3889474, MONDO:0014444, OMIM 615993.
Senior-Loken syndrome 7 (SLSN7). Identifiers: Orphanet 3156, MedGen C3150877, MONDO:0013326, OMIM 613615.

Allele frequency attached by ClinVar (database versions not stated): gnomAD 0.00001; gnomAD exomes 0.00001; ExAC 0.00002; TOPMed 0.00002.
gnomAD v4.1: 7 of 1,613,906 alleles (0.00043%); highest among the groups gnomAD compares: African/African-American, 0.0053%; no homozygotes.

Submissions (3):

Fulgent Genetics
Classification: Uncertain significance for Senior-Loken syndrome 7; Bardet-Biedl syndrome 16. Last evaluated: 2024-04-24. Review status: criteria provided, single submitter. Criteria: ACMG Guidelines, 2015. Collection method: clinical testing. Allele origin: germline.

Labcorp Genetics (formerly Invitae), Labcorp
Classification: Uncertain significance for Bardet-Biedl syndrome 16; Senior-Loken syndrome 7. Last evaluated: 2023-11-06. Review status: criteria provided, single submitter. Criteria: Invitae Variant Classification Sherloc (09022015). Collection method: clinical testing. Allele origin: germline.
Comment: This sequence change replaces valine, which is neutral and non-polar, with alanine, which is neutral and non-polar, at codon 425 of the SDCCAG8 protein (p.Val425Ala). This variant is present in population databases (rs779777531, gnomAD 0.007%). This variant has not been reported in the literature in individuals affected with SDCCAG8-related conditions. ClinVar contains an entry for this variant (Variation ID: 1368248). Advanced modeling of protein sequence and biophysical properties (such as structural, functional, and spatial information, amino acid conservation, physicochemical variation, residue mobility, and thermodynamic stability) performed at Invitae indicates that this missense variant is not expected to disrupt SDCCAG8 protein function with a negative predictive value of 80%. In summary, the available evidence is currently insufficient to determine the role of this variant in disease. Therefore, it has been classified as a Variant of Uncertain Significance.

PreventionGenetics, part of Exact Sciences
Classification: Uncertain significance for SDCCAG8-related condition. Last evaluated: 2024-05-30. Review status: no assertion criteria provided. Collection method: clinical testing. Allele origin: germline. Not counted in ClinVar's aggregate classification.
Comment: The SDCCAG8 c.1274T>C variant is predicted to result in the amino acid substitution p.Val425Ala. To our knowledge, this variant has not been reported in the literature. This variant is reported in 0.0062% of alleles in individuals of African descent in gnomAD. At this time, the clinical significance of this variant is uncertain due to the absence of conclusive functional and genetic evidence.

NM_006642.5(SDCCAG8):c.1274T>C (p.Val425Ala)

Gene: SDCCAG8 (SHH signaling and ciliogenesis regulator SDCCAG8; plus strand). Cytogenetic location: 1q43.
Variant type: single nucleotide variant.
Coding change: c.1274T>C on transcript NM_006642.5 (MANE Select); coding-DNA position 1274, T replaced by C.
Protein change: p.Val425Ala; replaces valine 425 with alanine.
Molecular consequence: missense variant.
Genome position (GRCh38, 1-based): chr1:243,341,091, T>C. VCF-style: chr1-243341091-T-C. GRCh37 (hg19) VCF-style: chr1-243504393-T-C.
Other names: c.371T>C, p.Val124Ala (NM_001350246.2, NM_001350247.2, NM_001350251.2); c.1370T>C, p.Val457Ala (NM_001350248.2); c.980T>C, p.Val327Ala (NM_001350249.2); c.1274T>C (NM_006642.3); short protein forms V327A, V124A, V425A, V457A.
Identifiers: ClinVar variation 1368248 (VCV001368248.9), dbSNP rs779777531, ClinGen allele CA1483606.